The following is an entry in ClinVar:

NM_002103.5(GYS1):c.150G>C (p.Lys50Asn)

Gene: GYS1 (glycogen synthase 1; minus strand). Cytogenetic location: 19q13.33.
Variant type: single nucleotide variant.
Coding change: c.150G>C on transcript NM_002103.5 (MANE Select); coding-DNA position 150, G replaced by C.
Protein change: p.Lys50Asn; replaces lysine 50 with asparagine.
Molecular consequence: missense variant.
Genome position (GRCh38, 1-based): chr19:48,991,452, C>G on the plus strand (G>C on the coding strand, the complement: GYS1 is on the minus strand). VCF-style: chr19-48991452-C-G. GRCh37 (hg19) VCF-style: chr19-49494709-C-G.
Other names: c.150G>C, p.Lys50Asn (NM_001161587.2); short protein forms K50N.
Identifiers: ClinVar variation 2131841 (VCV002131841.4), dbSNP rs1600154925, ClinGen allele CA406766819.
Genomic context (GRCh38, chr19:48,991,452, plus strand): 5'-CTCCGTGTACGGCCCCACCAGGAAGTAGTTGTCGCCCCATTCGTCCCCTGTCACCTTCGC[C>G]TTCGTCTGCAGCACCGTGTAGATGCCACCCACTGTGGGCCCAAGCGTGTGAGGGCAGGCC-3'
Protein context (NP_002094.2, residues 40-60): VGGIYTVLQT[Lys50Asn]AKVTGDEWGD

ClinVar aggregate classification (germline): Uncertain significance (1 of 4 stars; one submission).

Conditions:
Glycogen storage disease due to muscle and heart glycogen synthase deficiency. Also called: MUSCLE GLYCOGEN SYNTHASE DEFICIENCY; GSD 0b. Identifiers: Orphanet 137625, MedGen C1969054, MONDO:0012693, OMIM 611556.

Submission:

Labcorp Genetics (formerly Invitae), Labcorp
Classification: Uncertain significance for Glycogen storage disease due to muscle and heart glycogen synthase deficiency. Last evaluated: 2022-05-07. Review status: criteria provided, single submitter. Criteria: Invitae Variant Classification Sherloc (09022015). Collection method: clinical testing. Allele origin: germline.
Comment: In summary, the available evidence is currently insufficient to determine the role of this variant in disease. Therefore, it has been classified as a Variant of Uncertain Significance. Algorithms developed to predict the effect of missense changes on protein structure and function are either unavailable or do not agree on the potential impact of this missense change (SIFT: "Deleterious"; PolyPhen-2: "Possibly Damaging"; Align-GVGD: "Class C0"). This variant has not been reported in the literature in individuals affected with GYS1-related conditions. This variant is not present in population databases (gnomAD no frequency). This sequence change replaces lysine, which is basic and polar, with asparagine, which is neutral and polar, at codon 50 of the GYS1 protein (p.Lys50Asn).